The following is an entry in ClinVar:

NM_000059.4(BRCA2):c.68-16T>A

Gene: BRCA2 (BRCA2 DNA repair associated; plus strand). Cytogenetic location: 13q13.1.
Variant type: single nucleotide variant.
Coding change: c.68-16T>A on transcript NM_000059.4 (MANE Select); 16 bases into the intron before coding-DNA position 68, T replaced by A.
Molecular consequence: intron variant.
Genome position (GRCh38, 1-based): chr13:32,319,061, T>A. VCF-style: chr13-32319061-T-A. GRCh37 (hg19) VCF-style: chr13-32893198-T-A.
Identifiers: ClinVar variation 52186 (VCV000052186.16), dbSNP rs397507882, ClinGen allele CA024444.
Genomic context (GRCh38, chr13:32,319,061, plus strand): 5'-ATGATCTTTAACTGTTCTGGGTCACAAATTTGTCTGTCACTGGTTAAAACTAAGGTGGGA[T>A]TTTTTTTTTAAATAGATTTAGGACCAATAAGTCTTAATTGGTTTGAAGAACTTTCTTCAG-3'

ClinVar aggregate classification (germline): Likely benign. Review status: criteria provided, multiple submitters, no conflicts (2 of 4 stars). 5 submissions from 5 submitters: Likely benign (5). Last evaluated 2026-03-23.

Conditions:
Hereditary cancer-predisposing syndrome. Also called: Hereditary neoplastic syndrome; Neoplastic Syndromes, Hereditary; Hereditary Cancer Syndrome; Tumor predisposition. Identifiers: Orphanet 140162, MedGen C0027672, MeSH D009386, MONDO:0015356.
Hereditary breast ovarian cancer syndrome. Also called: Hereditary breast and ovarian cancer syndrome (HBOC); Breast and ovarian cancer; Hereditary breast and ovarian cancer syndrome; BRCA1- and BRCA2-Associated Hereditary Breast and Ovarian Cancer; Hereditary breast and/or ovarian cancer syndrome; Hereditary breast and ovarian cancer. Identifiers: Orphanet 145, MedGen C0677776, MeSH D061325, MONDO:0003582. Disease mechanism: loss of function.
Breast-ovarian cancer, familial, susceptibility to, 2 (BROVCA2). Also called: BRCA2 Hereditary Breast and Ovarian Cancer. Identifiers: Orphanet 145, MedGen C2675520, MONDO:0012933, OMIM 612555. Disease mechanism: loss of function.

Allele frequency attached by ClinVar (database versions not stated): ExAC 0.00001; gnomAD 0.00001; gnomAD exomes 0.00001 and 0.00002; TOPMed 0.00001.
gnomAD v4.1: 25 of 1,528,178 alleles (0.0016%); highest among the groups gnomAD compares: East Asian, 0.0093%; no homozygotes.

Submissions (5):

Women's Health and Genetics/Laboratory Corporation of America, LabCorp
Classification: Likely benign. Last evaluated: 2026-03-23. Review status: criteria provided, single submitter. Criteria: LabCorp Variant Classification Summary - May 2015. Collection method: clinical testing. Allele origin: germline.
Comment: Variant summary: BRCA2 c.68-16T>A alters a conserved nucleotide located at a position not widely known to affect splicing. Consensus agreement among computation tools predict no significant impact on normal splicing. However, these predictions have yet to be confirmed by functional studies. The variant allele was found at a frequency of 9.8e-06 in 203188 control chromosomes. The available data on variant occurrences in the general population are insufficient to allow any conclusion about variant significance. c.68-16T>A has been reported in the literature as a VUS in individuals affected with Breast and/or Ovarian Cancer (e.g. Azzollini_2016, Cherbal_2012, Sakayori_2003, So_2019). These reports do not provide unequivocal conclusions about association of the variant with Hereditary Breast And Ovarian Cancer Syndrome. At least one co-occurrence with a pathogenic variant has been reported (BRCA1 c.4116T>A, p.C1372*; Sakayori_2003), providing supporting evidence for a benign role. To our knowledge, no experimental evidence demonstrating an impact on protein function has been reported. The following publications have been ascertained in the context of this evaluation (PMID: 27062684, 22684231, 15168169, 36273432, 12624724, 30725392). ClinVar contains an entry for this variant (Variation ID: 52186). Based on the evidence outlined above, the variant was classified as likely benign.

Labcorp Genetics (formerly Invitae), Labcorp
Classification: Likely benign for Hereditary breast ovarian cancer syndrome. Last evaluated: 2025-11-18. Review status: criteria provided, single submitter. Criteria: Invitae Variant Classification Sherloc (09022015). Collection method: clinical testing. Allele origin: germline.

Myriad Genetics, Inc.
Classification: Likely benign for Breast-ovarian cancer, familial, susceptibility to, 2. Last evaluated: 2024-05-14. Review status: criteria provided, single submitter. Criteria: Myriad Autosomal Dominant, Autosomal Recessive and X-Linked Classification Criteria (2023). Collection method: clinical testing. Allele origin: unknown.
Comment: This variant is considered likely benign. This variant is intronic and is not expected to impact mRNA splicing. This variant is strongly associated with less severe personal and family histories of cancer, typical for individuals without pathogenic variants in this gene [PMID: 25085752].

GeneDx
Classification: Likely benign. Last evaluated: 2016-11-25. Review status: criteria provided, single submitter. Criteria: GeneDx Variant Classification (06012015). Collection method: clinical testing. Allele origin: germline. Affected: yes.
Comment: This variant is considered likely benign or benign based on one or more of the following criteria: it is a conservative change, it occurs at a poorly conserved position in the protein, it is predicted to be benign by multiple in silico algorithms, and/or has population frequency not consistent with disease.

Color Diagnostics, LLC DBA Color Health
Classification: Likely benign for Hereditary cancer-predisposing syndrome. Last evaluated: 2016-01-04. Review status: criteria provided, single submitter. Criteria: ACMG Guidelines, 2015. Collection method: clinical testing. Allele origin: germline.

Literature cited by the submitters: PubMed 22684231 (cited by Women's Health and Genetics/Laboratory Corporation of America, LabCorp); PubMed 15168169 (cited by Women's Health and Genetics/Laboratory Corporation of America, LabCorp); PubMed 12624724 (cited by Women's Health and Genetics/Laboratory Corporation of America, LabCorp); PubMed 27062684 (cited by Women's Health and Genetics/Laboratory Corporation of America, LabCorp); PubMed 30725392 (cited by Women's Health and Genetics/Laboratory Corporation of America, LabCorp); PubMed 36273432 (cited by Women's Health and Genetics/Laboratory Corporation of America, LabCorp); PubMed 25085752 (cited by Myriad Genetics, Inc.).